The following is an entry in ClinVar:

ClinVar aggregate classification (germline): Uncertain significance. Review status: criteria provided, multiple submitters, no conflicts (2 of 4 stars). 2 submissions from 2 submitters: Uncertain significance (2). Last evaluated 2023-10-01.

Conditions:
Retinal dystrophy. Also called: Inherited retinal dystrophy. Identifiers: Orphanet 71862, MedGen C0854723, MeSH D058499, MONDO:0019118, HP:0000556.

Allele frequency attached by ClinVar (database versions not stated): TOPMed below 0.00001; ExAC 0.00001; gnomAD 0.00001.
gnomAD v4.1: 35 of 1,613,752 alleles (0.0022%); highest among the groups gnomAD compares: East Asian, 0.0089%; no homozygotes.

Submissions (2):

Dept Of Ophthalmology, Nagoya University
Classification: Uncertain significance for Retinal dystrophy. Last evaluated: 2023-10-01. Review status: criteria provided, single submitter. Criteria: Submitter's publication. Collection method: research. Allele origin: germline. Affected: yes.

Labcorp Genetics (formerly Invitae), Labcorp
Classification: Uncertain significance. Last evaluated: 2022-10-24. Review status: criteria provided, single submitter. Criteria: Invitae Variant Classification Sherloc (09022015). Collection method: clinical testing. Allele origin: germline.
Comment: In summary, the available evidence is currently insufficient to determine the role of this variant in disease. Therefore, it has been classified as a Variant of Uncertain Significance. Advanced modeling of protein sequence and biophysical properties (such as structural, functional, and spatial information, amino acid conservation, physicochemical variation, residue mobility, and thermodynamic stability) performed at Invitae indicates that this missense variant is not expected to disrupt MAK protein function. This variant has not been reported in the literature in individuals affected with MAK-related conditions. This variant is present in population databases (rs771764863, gnomAD 0.02%). This sequence change replaces proline, which is neutral and non-polar, with leucine, which is neutral and non-polar, at codon 373 of the MAK protein (p.Pro373Leu).

NM_001242957.3(MAK):c.1118C>T (p.Pro373Leu)

Gene: MAK (male germ cell associated kinase; minus strand). Cytogenetic location: 6p24.2.
Variant type: single nucleotide variant.
Coding change: c.1118C>T on transcript NM_001242957.3 (MANE Select); coding-DNA position 1118, C replaced by T.
Protein change: p.Pro373Leu; replaces proline 373 with leucine.
Molecular consequence: missense variant. On other transcripts: non-coding transcript variant (2).
Genome position (GRCh38, 1-based): chr6:10,796,023, G>A on the plus strand (C>T on the coding strand, the complement: MAK is on the minus strand). VCF-style: chr6-10796023-G-A. GRCh37 (hg19) VCF-style: chr6-10796256-G-A.
Other names: c.1118C>T, p.Pro373Leu (NM_001242385.2, NM_005906.6); c.1016C>T, p.Pro339Leu (NM_001377262.1); short protein forms P339L, P373L.
Identifiers: ClinVar variation 2158522 (VCV002158522.3), dbSNP rs771764863, ClinGen allele CA3633553.